The following is an entry in ClinVar:

ClinVar aggregate classification (germline): Likely benign (1 of 4 stars; one submission).

gnomAD v4.1: 1,029 of 1,605,622 alleles (0.064%); highest among the groups gnomAD compares: Middle Eastern, 0.083%; 1 homozygote.

Submission:

CeGaT Center for Human Genetics Tuebingen
Classification: Likely benign. Last evaluated: 2026-07-01. Review status: criteria provided, single submitter. Criteria: CeGaT Center For Human Genetics Tuebingen Variant Classification Criteria Version 2. Collection method: clinical testing. Allele origin: germline. Affected: yes. Observed: 3 variant alleles.
Comment: PSEN1: BS1

NM_000021.4(PSEN1):c.480+42C>T

Gene: PSEN1 (presenilin 1; plus strand). Cytogenetic location: 14q24.2.
Variant type: single nucleotide variant.
Coding change: c.480+42C>T on transcript NM_000021.4 (MANE Select); 42 bases into the intron after coding-DNA position 480, C replaced by T.
Molecular consequence: intron variant.
Genome position (GRCh38, 1-based): chr14:73,173,749, C>T. VCF-style: chr14-73173749-C-T. GRCh37 (hg19) VCF-style: chr14-73640457-C-T.
Other names: c.468+42C>T (NM_007318.3).
Identifiers: ClinVar variation 3770643 (VCV003770643.13).